The following is an entry in ClinVar:

NM_032977.4(CASP10):c.1192A>G (p.Ile398Val)

Gene: CASP10 (caspase 10; plus strand). Cytogenetic location: 2q33.1.
Variant type: single nucleotide variant.
Coding change: c.1192A>G on transcript NM_032977.4 (MANE Select); coding-DNA position 1192, A replaced by G.
Protein change: p.Ile398Val; replaces isoleucine 398 with valine.
Molecular consequence: missense variant. On other transcripts: 3 prime UTR variant (1).
Genome position (GRCh38, 1-based): chr2:201,209,339, A>G. VCF-style: chr2-201209339-A-G. GRCh37 (hg19) VCF-style: chr2-202074062-A-G.
Other names: c.991A>G, p.Ile331Val (NM_001206524.2); c.1063A>G, p.Ile355Val (NM_001206542.2, NM_001230.5); c.1192A>G, p.Ile398Val (NM_032974.5); c.*278A>G (NM_032976.4); short protein forms I331V, I355V, I398V.
Identifiers: ClinVar variation 3758120 (VCV003758120.2).

ClinVar aggregate classification (germline): Uncertain significance (1 of 4 stars; one submission).

Conditions:
Autoimmune lymphoproliferative syndrome type 2A (ALPS2A). Also called: CASP10-Related Autoimmune Lymphoproliferative Syndrome; AUTOIMMUNE LYMPHOPROLIFERATIVE SYNDROME, TYPE IIA; Autoimmune lymphoproliferative syndrome type 2. Identifiers: Orphanet 3261, MedGen C1858968, MONDO:0011383, OMIM 603909.

gnomAD v4.1: 24 of 1,613,980 alleles (0.0015%); highest among the groups gnomAD compares: East Asian, 0.051%; no homozygotes.

Submission:

Labcorp Genetics (formerly Invitae), Labcorp
Classification: Uncertain significance for Autoimmune lymphoproliferative syndrome type 2A. Last evaluated: 2025-05-26. Review status: criteria provided, single submitter. Criteria: Invitae Variant Classification Sherloc (09022015). Collection method: clinical testing. Allele origin: germline.
Comment: This sequence change replaces isoleucine, which is neutral and non-polar, with valine, which is neutral and non-polar, at codon 398 of the CASP10 protein (p.Ile398Val). This variant is present in population databases (rs775005390, gnomAD 0.01%). This variant has not been reported in the literature in individuals affected with CASP10-related conditions. ClinVar contains an entry for this variant (Variation ID: 3758120). Invitae Evidence Modeling of protein sequence and biophysical properties (such as structural, functional, and spatial information, amino acid conservation, physicochemical variation, residue mobility, and thermodynamic stability) indicates that this missense variant is not expected to disrupt CASP10 protein function with a negative predictive value of 80%. In summary, the available evidence is currently insufficient to determine the role of this variant in disease. Therefore, it has been classified as a Variant of Uncertain Significance.